The following is an entry in ClinVar:

NM_017780.4(CHD7):c.1222A>G (p.Thr408Ala)

Gene: CHD7 (chromodomain helicase DNA binding protein 7; plus strand). Cytogenetic location: 8q12.2.
Variant type: single nucleotide variant.
Coding change: c.1222A>G on transcript NM_017780.4 (MANE Select); coding-DNA position 1222, A replaced by G.
Protein change: p.Thr408Ala; replaces threonine 408 with alanine.
Molecular consequence: missense variant.
Genome position (GRCh38, 1-based): chr8:60,742,654, A>G. VCF-style: chr8-60742654-A-G. GRCh37 (hg19) VCF-style: chr8-61655213-A-G.
Other names: c.1222A>G, p.Thr408Ala (NM_001316690.1); short protein forms T408A.
Identifiers: ClinVar variation 1440105 (VCV001440105.8), dbSNP rs760121832, ClinGen allele CA371301869.
Genomic context (GRCh38, chr8:60,742,654, plus strand): 5'-GGAACTTATGCCTCTCCACCTCCCATGTCACCCATGAAAGCAATGAGTAATCCAGCAGGC[A>G]CTCCTCCTCCACAAGTCAGGCCGGGAAGTGCTGGGATACCAATGGAAGTTGGCAGTTATC-3'
Protein context (NP_060250.2, residues 398-418): PMKAMSNPAG[Thr408Ala]PPPQVRPGSA

ClinVar aggregate classification (germline): Uncertain significance (1 of 4 stars; one submission).

Conditions:
CHARGE syndrome (CHARGE). Also called: Coloboma, heart anomaly, choanal atresia, retardation, genital and ear anomalies; CHARGE association; Hall-Hittner syndrome; Hittner Hirsch Kreh syndrome; CHARGE ASSOCIATION--COLOBOMA, HEART ANOMALY, CHOANAL ATRESIA, RETARDATION, GENITAL AND EAR ANOMALIES. Identifiers: Orphanet 138, MedGen C0265354, MONDO:0008965.

gnomAD v4.1: 1 of 1,610,336 alleles (0.000062%); highest among the groups gnomAD compares: Non-Finnish European, 0.000085%; no homozygotes.

Submission:

Labcorp Genetics (formerly Invitae), Labcorp
Classification: Uncertain significance for CHARGE syndrome. Last evaluated: 2021-08-16. Review status: criteria provided, single submitter. Criteria: Invitae Variant Classification Sherloc (09022015). Collection method: clinical testing. Allele origin: germline.
Comment: This variant has not been reported in the literature in individuals affected with CHD7-related conditions. This sequence change replaces threonine with alanine at codon 408 of the CHD7 protein (p.Thr408Ala). The threonine residue is highly conserved and there is a small physicochemical difference between threonine and alanine. This variant is not present in population databases (ExAC no frequency). Advanced modeling of protein sequence and biophysical properties (such as structural, functional, and spatial information, amino acid conservation, physicochemical variation, residue mobility, and thermodynamic stability) performed at Invitae indicates that this missense variant is not expected to disrupt CHD7 protein function. In summary, the available evidence is currently insufficient to determine the role of this variant in disease. Therefore, it has been classified as a Variant of Uncertain Significance.